The following is an entry in ClinVar:

NM_002528.7(NTHL1):c.*5C>G

Gene: NTHL1 (nth like DNA glycosylase 1; minus strand). Cytogenetic location: 16p13.3.
Variant type: single nucleotide variant.
Coding change: c.*5C>G on transcript NM_002528.7 (MANE Select); 5 bases downstream of the stop codon, C replaced by G.
Molecular consequence: 3 prime UTR variant.
Genome position (GRCh38, 1-based): chr16:2,039,919, G>C on the plus strand (C>G on the coding strand, the complement: NTHL1 is on the minus strand). VCF-style: chr16-2039919-G-C. GRCh37 (hg19) VCF-style: chr16-2089920-G-C.
Other names: c.*5C>G (NM_001318193.2, NM_001318194.2).
Identifiers: ClinVar variation 4533051 (VCV004533051.1).

ClinVar aggregate classification (germline): Uncertain significance (1 of 4 stars; one submission).

gnomAD v4.1: 2 of 1,600,958 alleles (0.00012%); highest among the groups gnomAD compares: Non-Finnish European, 0.00017%; no homozygotes.

Submission:

Quest Diagnostics Nichols Institute San Juan Capistrano
Classification: Uncertain significance. Last evaluated: 2025-05-05. Review status: criteria provided, single submitter. Criteria: Quest Diagnostics criteria. Collection method: clinical testing. Allele origin: unknown.
Comment: The NTHL1 c.*5C>G variant has not been reported in individuals with NTHL1-related conditions in the published literature. It also has not been reported in large, multi-ethnic general populations (Genome Aggregation Database). Based on the available information, we are unable to determine the clinical significance of this variant.